The following is an entry in ClinVar:

NM_003024.3(ITSN1):c.2079C>T (p.Gly693=)

Gene: ITSN1 (intersectin 1; plus strand). Cytogenetic location: 21q22.11.
Variant type: single nucleotide variant.
Coding change: c.2079C>T on transcript NM_003024.3 (MANE Select); coding-DNA position 2079, C replaced by T.
Protein change: p.Gly693=; no amino-acid change (glycine 693 retained).
Molecular consequence: synonymous variant.
Genome position (GRCh38, 1-based): chr21:33,797,505, C>T. VCF-style: chr21-33797505-C-T. GRCh37 (hg19) VCF-style: chr21-35169809-C-T.
Other names: NC_000021.8:g.35169809C>T; c.2079C>T, p.Gly693= (NM_001001132.2, NM_001331008.2, NM_001331009.2 and 2 more transcripts); c.1968C>T, p.Gly656= (NM_001331012.2); c.2079C>T (NM_003024.2).
Identifiers: ClinVar variation 2652632 (VCV002652632.26), dbSNP rs138849968, ClinGen allele CA10011743.

ClinVar aggregate classification (germline): Benign. Review status: criteria provided, single submitter (1 of 4 stars). 2 submissions from 2 submitters: Benign (1). 1 of the submissions does not count toward it. Last evaluated 2026-06-01.

Conditions:
ITSN1-related disorder. Also called: ITSN1-related condition.

Allele frequency attached by ClinVar (database versions not stated): 1000 Genomes Project 30x 0.00250; 1000 Genomes Project 0.00260; TOPMed 0.00266; ESP Exome Variant Server 0.00315; gnomAD 0.00372; ExAC 0.00408; gnomAD exomes 0.00411.
gnomAD v4.1: 6,540 of 1,614,006 alleles (0.41%); highest among the groups gnomAD compares: Non-Finnish European, 0.43%; 18 homozygotes.

Submissions (9):

CeGaT Center for Human Genetics Tuebingen
Classification: Benign. Last evaluated: 2026-06-01. Review status: criteria provided, single submitter. Criteria: CeGaT Center For Human Genetics Tuebingen Variant Classification Criteria Version 2. Collection method: clinical testing. Allele origin: germline. Affected: yes. Observed: 5 variant alleles.
Comment: ITSN1: BP4, BP7, BS1, BS2

PreventionGenetics, part of Exact Sciences
Classification: Benign for ITSN1-related condition. Last evaluated: 2020-06-08. Review status: no assertion criteria provided. Collection method: clinical testing. Allele origin: germline. Not counted in ClinVar's aggregate classification.
Comment: This variant is classified as benign based on ACMG/AMP sequence variant interpretation guidelines (Richards et al. 2015 PMID: 25741868, with internal and published modifications).

Dr. Peter K. Rogan Lab, Western University
No classification provided (evidence only). Condition: Familial cancer of breast. Review status: no classification provided. Collection method: in vitro. Allele origin: not applicable. Functional consequence: retained intron. Not counted in ClinVar's aggregate classification.

Dr. Peter K. Rogan Lab, Western University
No classification provided (evidence only). Condition: Colorectal cancer. Review status: no classification provided. Collection method: in vitro. Allele origin: not applicable. Functional consequence: retained intron. Not counted in ClinVar's aggregate classification.

Dr. Peter K. Rogan Lab, Western University
No classification provided (evidence only). Condition: Thyroid cancer, nonmedullary, 1. Review status: no classification provided. Collection method: in vitro. Allele origin: not applicable. Functional consequence: retained intron. Not counted in ClinVar's aggregate classification.

Dr. Peter K. Rogan Lab, Western University
No classification provided (evidence only). Condition: Thyroid cancer, nonmedullary, 1. Review status: no classification provided. Collection method: in vitro. Allele origin: not applicable. Functional consequence: retained intron. Not counted in ClinVar's aggregate classification.

Dr. Peter K. Rogan Lab, Western University
No classification provided (evidence only). Condition: Hepatocellular carcinoma. Review status: no classification provided. Collection method: in vitro. Allele origin: not applicable. Functional consequence: retained intron. Not counted in ClinVar's aggregate classification.

Dr. Peter K. Rogan Lab, Western University
No classification provided (evidence only). Condition: Ovarian serous cystadenocarcinoma. Review status: no classification provided. Collection method: in vitro. Allele origin: not applicable. Functional consequence: retained intron. Not counted in ClinVar's aggregate classification.

Dr. Peter K. Rogan Lab, Western University
No classification provided (evidence only). Condition: Ovarian serous cystadenocarcinoma. Review status: no classification provided. Collection method: in vitro. Allele origin: not applicable. Functional consequence: retained intron. Not counted in ClinVar's aggregate classification.